The following is an entry in ClinVar:

ClinVar aggregate classification (germline): Benign. Review status: reviewed by expert panel (3 of 4 stars). 26 submissions from 20 submitters: Benign (1). 25 of the submissions do not count toward it. Last evaluated 2023-09-26.

Conditions:
Connective tissue disorder. Also called: Connective tissue disease. Identifiers: MedGen C0009782, MONDO:0003900.
Geleophysic dysplasia. Identifiers: Orphanet 2623, MedGen C3489726, MONDO:0000127.
Weill-Marchesani syndrome. Also called: WM Syndrome; Mesodermal dysmorphodystrophy congenital. Identifiers: Orphanet 3449, MedGen C0265313, MONDO:0018096.
Familial thoracic aortic aneurysm and aortic dissection (TAAD). Also called: Thoracic aortic aneurysms and dissections. Identifiers: Orphanet 91387, MedGen C4707243, MONDO:0019625.
Marfan syndrome (MFS). Also called: Marfan syndrome, classic; FBN1-Related Marfan Syndrome; Marfan syndrome type 1; Marfan's syndrome; MARFAN SYNDROME, TYPE I. Identifiers: Orphanet 284963, Orphanet 558, MedGen C0024796, MONDO:0007947, OMIM 154700.
Acromicric dysplasia (ACMICD). Also called: Acromicric skeletal dysplasia. Identifiers: Orphanet 969, MedGen C0265287, MONDO:0007055, OMIM 102370.
Stiff skin syndrome (SSKS). Identifiers: Orphanet 2833, MedGen C1861456, MONDO:0008492, OMIM 184900.
Ectopia lentis 1, isolated, autosomal dominant (ECTOL1). Identifiers: Orphanet 1885, MedGen C3541518, MONDO:0007514, OMIM 129600.

Allele frequency attached by ClinVar (database versions not stated): gnomAD exomes 0.00163 and 0.00062; ExAC 0.00229; gnomAD 0.00683 and 0.00737; TOPMed 0.00766; ESP Exome Variant Server 0.00793; 1000 Genomes Project 30x 0.00796; 1000 Genomes Project 0.00819.
gnomAD v4.1: 1,994 of 1,614,086 alleles (0.12%); highest among the groups gnomAD compares: African/African-American, 2.4%; 33 homozygotes.

Submissions 1 to 17 of 26:

ClinGen FBN1 Variant Curation Expert Panel, ClinGen
Classification: Benign for Marfan syndrome. Last evaluated: 2023-09-26. Review status: reviewed by expert panel. Criteria: Assertion Criteria VCEP FBN1 Version 1. Collection method: curation. Allele origin: germline. Inheritance: Autosomal dominant inheritance.
Comment: NM_000138.5 c.986T>C is a missense variant in FBN1 predicted to cause a substitution of an isoleucine by a threonine at amino acid 329 (p.Ile329Thr). This variant has been identified in numerous individuals with diagnoses or suspicion of Marfan syndrome in both the published literature and internal databases (PP4; PMIDs: 19293843, 24793577; Bichat, Mayo, UZG, UZA); however, in at least 2 of these cases, another pathogenic variant in FBN1 was also present (BP2; Bichat). This variant has been previously reported in ClinVar as likely benign or benign by more than 15 laboratories (Variation ID: 36133). It is present in gnomAD v3.1.2 at a frequency of 2.36% (977/41430 alleles) in the African/African American sub-population and is in the homozygous state in 17 total individuals (BA1). Computational prediction tools and conservation analysis is unclear about a predicted impact of this variant. In summary, this variant meets criteria to be classified as benign for Marfan syndrome based on the ACMG/AMP criteria applied, as specified by the ClinGen FBN1 VCEP: BA1, BP2, PP4. The pathogenic evidence code PP4 was not considered to be in conflict with this conclusion.

CeGaT Center for Human Genetics Tuebingen
Classification: Benign. Last evaluated: 2026-07-01. Review status: criteria provided, single submitter. Criteria: CeGaT Center For Human Genetics Tuebingen Variant Classification Criteria Version 2. Collection method: clinical testing. Allele origin: germline. Affected: yes. Observed: 4 variant alleles. Not counted in ClinVar's aggregate classification.
Comment: FBN1: BP4, BS1, BS2

Molecular Diagnostic Laboratory for Inherited Cardiovascular Disease, Montreal Heart Institute
Classification: Likely benign. Last evaluated: 2026-03-27. Review status: criteria provided, single submitter. Criteria: ACMG Guidelines, 2015. Collection method: clinical testing. Allele origin: germline. Affected: no. Not counted in ClinVar's aggregate classification.
Comment: BS1;BP7

Labcorp Genetics (formerly Invitae), Labcorp
Classification: Benign for Marfan syndrome; Familial thoracic aortic aneurysm and aortic dissection. Last evaluated: 2026-02-01. Review status: criteria provided, single submitter. Criteria: Invitae Variant Classification Sherloc (09022015). Collection method: clinical testing. Allele origin: germline. Not counted in ClinVar's aggregate classification.

ARUP Laboratories, Molecular Genetics and Genomics, ARUP Laboratories
Classification: Benign. Last evaluated: 2025-04-17. Review status: criteria provided, single submitter. Criteria: ARUP Molecular Germline Variant Investigation Process 2024. Collection method: clinical testing. Allele origin: germline. Not counted in ClinVar's aggregate classification.

Blueprint Genetics
Classification: Likely benign. Last evaluated: 2024-11-14. Review status: criteria provided, single submitter. Criteria: ACMG Guidelines, 2015. Collection method: clinical testing. Allele origin: germline. Not counted in ClinVar's aggregate classification.

All of Us Research Program, National Institutes of Health
Classification: Benign for Marfan syndrome. Last evaluated: 2024-02-05. Review status: criteria provided, single submitter. Criteria: ACMG Guidelines, 2015. Collection method: clinical testing. Allele origin: germline. Inheritance: Autosomal dominant inheritance. Observed: 383 variant alleles, 380 heterozygotes, 3 homozygotes. Not counted in ClinVar's aggregate classification.
Comment: This study involves interpretation of variants in research participants for the purpose of population health screening. Participant phenotype was not available at the time of variant classification. Additional details can be found in publication PMID: 35346344, PMCID: PMC8962531

Genome Diagnostics Laboratory, The Hospital for Sick Children
Classification: Likely benign for Connective tissue disorder. Last evaluated: 2019-08-01. Review status: criteria provided, single submitter. Criteria: ACMG Guidelines, 2015. Collection method: clinical testing. Allele origin: germline. Not counted in ClinVar's aggregate classification.

Mendelics
Classification: Benign for Marfan syndrome. Last evaluated: 2019-05-28. Review status: criteria provided, single submitter. Criteria: Mendelics Assertion Criteria 2017. Collection method: clinical testing. Allele origin: unknown. Not counted in ClinVar's aggregate classification.

GeneDx
Classification: Benign. Last evaluated: 2018-12-17. Review status: criteria provided, single submitter. Criteria: GeneDx Variant Classification Process June 2021. Collection method: clinical testing. Allele origin: germline. Affected: yes. Not counted in ClinVar's aggregate classification.
Comment: This variant is associated with the following publications: (PMID: 24793577, 19293843, 27153395, 26332594)

Color Diagnostics, LLC DBA Color Health
Classification: Benign for Familial thoracic aortic aneurysm and aortic dissection. Last evaluated: 2018-03-09. Review status: criteria provided, single submitter. Criteria: ACMG Guidelines, 2015. Collection method: clinical testing. Allele origin: germline. Not counted in ClinVar's aggregate classification.

Illumina Laboratory Services, Illumina
Classification: Likely benign for Familial thoracic aortic aneurysm and aortic dissection. Last evaluated: 2018-02-02. Review status: criteria provided, single submitter. Criteria: ICSL Variant Classification Criteria 13 December 2019. Collection method: clinical testing. Allele origin: germline. Not counted in ClinVar's aggregate classification.
Comment: This variant was observed as part of a predisposition screen in an ostensibly healthy population. A literature search was performed for the gene, cDNA change, and amino acid change (where applicable). No publications were found based on this search. Allele frequency data from public databases allowed determination this variant is unlikely to cause disease. Therefore, this variant is classified as likely benign.

Illumina Laboratory Services, Illumina
Classification: Likely benign for Marfan syndrome. Last evaluated: 2018-02-02. Review status: criteria provided, single submitter. Criteria: ICSL Variant Classification Criteria 13 December 2019. Collection method: clinical testing. Allele origin: germline. Not counted in ClinVar's aggregate classification.
Comment: This variant was observed as part of a predisposition screen in an ostensibly healthy population. A literature search was performed for the gene, cDNA change, and amino acid change (where applicable). Publications were found based on this search. The evidence from the literature, in combination with allele frequency data from public databases where available, was sufficient to determine this variant is unlikely to cause disease. Therefore, this variant is classified as likely benign.

Illumina Laboratory Services, Illumina
Classification: Likely benign for Geleophysic dysplasia. Last evaluated: 2018-02-02. Review status: criteria provided, single submitter. Criteria: ICSL Variant Classification Criteria 13 December 2019. Collection method: clinical testing. Allele origin: germline. Not counted in ClinVar's aggregate classification.
Comment: the same text as in the submission from Illumina Laboratory Services, Illumina above.

Illumina Laboratory Services, Illumina
Classification: Likely benign for Acromicric dysplasia. Last evaluated: 2018-02-02. Review status: criteria provided, single submitter. Criteria: ICSL Variant Classification Criteria 13 December 2019. Collection method: clinical testing. Allele origin: germline. Not counted in ClinVar's aggregate classification.
Comment: the same text as in the submission from Illumina Laboratory Services, Illumina above.

Illumina Laboratory Services, Illumina
Classification: Likely benign for Stiff skin syndrome. Last evaluated: 2018-02-02. Review status: criteria provided, single submitter. Criteria: ICSL Variant Classification Criteria 13 December 2019. Collection method: clinical testing. Allele origin: germline. Not counted in ClinVar's aggregate classification.
Comment: the same text as in the submission from Illumina Laboratory Services, Illumina above.

Illumina Laboratory Services, Illumina
Classification: Likely benign for Ectopia lentis 1, isolated, autosomal dominant. Last evaluated: 2018-02-02. Review status: criteria provided, single submitter. Criteria: ICSL Variant Classification Criteria 13 December 2019. Collection method: clinical testing. Allele origin: germline. Not counted in ClinVar's aggregate classification.
Comment: the same text as in the submission from Illumina Laboratory Services, Illumina above.

NM_000138.5(FBN1):c.986T>C (p.Ile329Thr)

Gene: FBN1 (fibrillin 1; minus strand). Cytogenetic location: 15q21.1.
Variant type: single nucleotide variant.
Coding change: c.986T>C on transcript NM_000138.5 (MANE Select); coding-DNA position 986, T replaced by C.
Protein change: p.Ile329Thr; replaces isoleucine 329 with threonine.
Molecular consequence: missense variant.
Genome position (GRCh38, 1-based): chr15:48,526,132, A>G on the plus strand (T>C on the coding strand, the complement: FBN1 is on the minus strand). VCF-style: chr15-48526132-A-G. GRCh37 (hg19) VCF-style: chr15-48818329-A-G.
Other names: p.I329T:ATA>ACA; NM_000138.5(FBN1):c.986T>C; short protein forms I329T.
Identifiers: ClinVar variation 36133 (VCV000036133.85), dbSNP rs12324002, ClinGen allele CA017862.